The following is an entry in ClinVar:

ClinVar aggregate classification (germline): Uncertain significance (1 of 4 stars; one submission).

gnomAD v4.1: 3 of 1,613,448 alleles (0.00019%); highest among the groups gnomAD compares: Non-Finnish European, 0.00025%; no homozygotes.

Submission:

Ambry Genetics
Classification: Uncertain significance. Last evaluated: 2021-06-13. Review status: criteria provided, single submitter. Criteria: Ambry Variant Classification Scheme 2023. Collection method: clinical testing. Allele origin: germline.
Comment: The p.S1003I variant (also known as c.3008G>T), located in coding exon 26 of the PRKDC gene, results from a G to T substitution at nucleotide position 3008. The serine at codon 1003 is replaced by isoleucine, an amino acid with dissimilar properties. This amino acid position is conserved. In addition, this alteration is predicted to be deleterious by in silico analysis. Since supporting evidence is limited at this time, the clinical significance of this alteration remains unclear.

NM_006904.7(PRKDC):c.3008G>T (p.Ser1003Ile)

Gene: PRKDC (protein kinase, DNA-activated, catalytic subunit; minus strand). Cytogenetic location: 8q11.21.
Variant type: single nucleotide variant.
Coding change: c.3008G>T on transcript NM_006904.7 (MANE Select); coding-DNA position 3008, G replaced by T.
Protein change: p.Ser1003Ile; replaces serine 1003 with isoleucine.
Molecular consequence: missense variant.
Genome position (GRCh38, 1-based): chr8:47,904,903, C>A on the plus strand (G>T on the coding strand, the complement: PRKDC is on the minus strand). VCF-style: chr8-47904903-C-A. GRCh37 (hg19) VCF-style: chr8-48817463-C-A.
Other names: c.3008G>T, p.Ser1003Ile (NM_001081640.2); short protein forms S1003I.
Identifiers: ClinVar variation 1798767 (VCV001798767.2), dbSNP rs2551875888, ClinGen allele CA371157319.